The following is an entry in ClinVar:

ClinVar aggregate classification (germline): Uncertain significance (1 of 4 stars; one submission).

Conditions:
Inborn genetic diseases. Identifiers: MedGen C0950123, MeSH D030342.

gnomAD v4.1: 3 of 1,613,532 alleles (0.00019%); highest among the groups gnomAD compares: Non-Finnish European, 0.00025%; no homozygotes.

Submission:

Ambry Genetics
Classification: Uncertain significance for Inborn genetic diseases. Last evaluated: 2025-12-26. Review status: criteria provided, single submitter. Criteria: Ambry Variant Classification Scheme 2023. Collection method: clinical testing. Allele origin: germline.
Comment: The p.E975D variant (also known as c.2925G>T), located in coding exon 13 of the MECOM gene, results from a G to T substitution at nucleotide position 2925. The glutamic acid at codon 975 is replaced by aspartic acid, an amino acid with highly similar properties. This amino acid position is conserved. In addition, this alteration is predicted to be tolerated by in silico analysis. Based on the available evidence, the clinical significance of this variant remains unclear.

NM_004991.4(MECOM):c.2925G>T (p.Glu975Asp)

Gene: MECOM (MDS1 and EVI1 complex locus; minus strand). Cytogenetic location: 3q26.2.
Variant type: single nucleotide variant.
Coding change: c.2925G>T on transcript NM_004991.4 (MANE Select); coding-DNA position 2925, G replaced by T.
Protein change: p.Glu975Asp; replaces glutamic acid 975 with aspartic acid.
Molecular consequence: missense variant.
Genome position (GRCh38, 1-based): chr3:169,095,170, C>A on the plus strand (G>T on the coding strand, the complement: MECOM is on the minus strand). VCF-style: chr3-169095170-C-A. GRCh37 (hg19) VCF-style: chr3-168812958-C-A.
Other names: c.2556G>T, p.Glu852Asp (NM_001105077.4); c.2361G>T, p.Glu787Asp (NM_001105078.4, NM_001205194.2, NM_001366469.2 and 1 more transcripts); c.2337G>T, p.Glu779Asp (NM_001163999.2, NM_001366470.2); c.2334G>T, p.Glu778Asp (NM_001164000.2, NM_001366471.2, NM_001366472.2); c.2898G>T, p.Glu966Asp (NM_001366466.2); c.2364G>T, p.Glu788Asp (NM_001366467.2, NM_001366468.2); c.1926G>T, p.Glu642Asp (NM_001366473.2); c.1362G>T, p.Glu454Asp (NM_001366474.2); short protein forms E642D, E788D, E966D, E787D, E852D, E975D, E454D, E778D.
Identifiers: ClinVar variation 4842757 (VCV004842757.1).